The following is an entry in ClinVar:

ClinVar aggregate classification (germline): Pathogenic (1 of 4 stars; one submission).

Conditions:
Cataract 18 (CATC2). Also called: CATARACT 18, AUTOSOMAL RECESSIVE. Identifiers: Orphanet 91492, Orphanet 98991, Orphanet 98992, Orphanet 98995, MedGen C1864908, MONDO:0012395, OMIM 610019.

Submission:

Labcorp Genetics (formerly Invitae), Labcorp
Classification: Pathogenic for Cataract 18. Last evaluated: 2025-03-27. Review status: criteria provided, single submitter. Criteria: Invitae Variant Classification Sherloc (09022015). Collection method: clinical testing. Allele origin: germline.
Comment: This sequence change creates a premature translational stop signal (p.Trp470*) in the FYCO1 gene. It is expected to result in an absent or disrupted protein product. Loss-of-function variants in FYCO1 are known to be pathogenic (PMID: 21636066). This variant is not present in population databases (gnomAD no frequency). This variant has not been reported in the literature in individuals affected with FYCO1-related conditions. For these reasons, this variant has been classified as Pathogenic.

Literature cited by the submitters: PubMed 21636066.

NM_024513.4(FYCO1):c.1410G>A (p.Trp470Ter)

Gene: FYCO1 (FYVE and coiled-coil domain autophagy adaptor 1; minus strand). Cytogenetic location: 3p21.31.
Variant type: single nucleotide variant.
Coding change: c.1410G>A on transcript NM_024513.4 (MANE Select); coding-DNA position 1410, G replaced by A.
Protein change: p.Trp470Ter; replaces tryptophan 470 with a stop codon.
Molecular consequence: nonsense. On other transcripts: non-coding transcript variant (1).
Genome position (GRCh38, 1-based): chr3:45,967,924, C>T on the plus strand (G>A on the coding strand, the complement: FYCO1 is on the minus strand). VCF-style: chr3-45967924-C-T. GRCh37 (hg19) VCF-style: chr3-46009416-C-T.
Other names: c.1410G>A, p.Trp470Ter (NM_001386421.1, NM_001386422.1, NM_001386423.1 and 4 more transcripts); c.1290G>A, p.Trp430Ter (NM_001386426.1); c.1266G>A, p.Trp422Ter (NM_001386427.1); c.810G>A, p.Trp270Ter (NM_001386430.1); short protein forms W422*, W430*, W470*, W270*.
Identifiers: ClinVar variation 3694827 (VCV003694827.2).